The following is an entry in ClinVar:

NM_002528.7(NTHL1):c.525+131C>T

Gene: NTHL1 (nth like DNA glycosylase 1; minus strand). Cytogenetic location: 16p13.3.
Variant type: single nucleotide variant.
Coding change: c.525+131C>T on transcript NM_002528.7 (MANE Select); 131 bases into the intron after coding-DNA position 525, C replaced by T.
Molecular consequence: intron variant.
Genome position (GRCh38, 1-based): chr16:2,044,499, G>A on the plus strand (C>T on the coding strand, the complement: NTHL1 is on the minus strand). VCF-style: chr16-2044499-G-A. GRCh37 (hg19) VCF-style: chr16-2094500-G-A.
Other names: c.195+131C>T (NM_001318194.2); c.355-773C>T (NM_001318193.2).
Identifiers: ClinVar variation 679778 (VCV000679778.1), dbSNP rs2233520, ClinGen allele CA276764385.

ClinVar aggregate classification (germline): Likely benign (1 of 4 stars; one submission).

Allele frequency attached by ClinVar (database versions not stated): TOPMed 0.00636; 1000 Genomes Project 30x 0.00625; 1000 Genomes Project 0.00639.
gnomAD v4.1: 1,471 of 1,189,810 alleles (0.12%); highest among the groups gnomAD compares: African/African-American, 2%; 21 homozygotes.

Submission:

GeneDx
Classification: Likely benign. Last evaluated: 2018-06-18. Review status: criteria provided, single submitter. Criteria: GeneDx Variant Classification (06012015). Collection method: clinical testing. Allele origin: germline. Affected: yes.
Comment: This variant is considered likely benign or benign based on one or more of the following criteria: it is a conservative change, it occurs at a poorly conserved position in the protein, it is predicted to be benign by multiple in silico algorithms, and/or has population frequency not consistent with disease.